The following is an entry in ClinVar:

ClinVar aggregate classification (germline): Uncertain significance (1 of 4 stars; one submission).

Submission:

GeneDx
Classification: Uncertain significance. Last evaluated: 2024-05-06. Review status: criteria provided, single submitter. Criteria: GeneDx Variant Classification Process June 2021. Collection method: clinical testing. Allele origin: germline. Affected: yes.
Comment: Not observed at significant frequency in large population cohorts (gnomAD); In silico analysis supports that this missense variant has a deleterious effect on protein structure/function; Has not been previously published as pathogenic or benign to our knowledge

NM_001429.4(EP300):c.3479T>A (p.Leu1160His)

Gene: EP300 (E1A binding protein p300; plus strand). Cytogenetic location: 22q13.2.
Variant type: single nucleotide variant.
Coding change: c.3479T>A on transcript NM_001429.4 (MANE Select); coding-DNA position 3479, T replaced by A.
Protein change: p.Leu1160His; replaces leucine 1160 with histidine.
Molecular consequence: missense variant.
Genome position (GRCh38, 1-based): chr22:41,157,386, T>A. VCF-style: chr22-41157386-T-A. GRCh37 (hg19) VCF-style: chr22-41553390-T-A.
Other names: c.3401T>A, p.Leu1134His (NM_001362843.2); short protein forms L1134H, L1160H.
Identifiers: ClinVar variation 3375865 (VCV003375865.1).
Genomic context (GRCh38, chr22:41,157,386, plus strand): 5'-AATACTGCTCCAAGCTCTCTGAGGTCTTTGAACAAGAAATTGACCCAGTGATGCAAAGCC[T>A]TGGATACTGTTGTGGCAGAAAGGTAAGAAATGTGTTTCAGATTTGACTTTAACTTTTCTG-3'
Protein context (NP_001420.2, residues 1150-1170): EQEIDPVMQS[Leu1160His]GYCCGRKLEF